The following is an entry in ClinVar:

NM_000045.4(ARG1):c.882C>A (p.Asn294Lys)

Genes: ARG1 (arginase 1; plus strand), MED23 (mediator complex subunit 23; minus strand). Cytogenetic location: 6q23.2.
Variant type: single nucleotide variant.
Coding change: c.882C>A on transcript NM_000045.4 (MANE Select); coding-DNA position 882, C replaced by A.
Protein change: p.Asn294Lys; replaces asparagine 294 with lysine.
Molecular consequence: missense variant. On other transcripts: non-coding transcript variant (1), intron variant (2).
Genome position (GRCh38, 1-based): chr6:131,583,821, C>A. VCF-style: chr6-131583821-C-A. GRCh37 (hg19) VCF-style: chr6-131904961-C-A.
Other names: c.906C>A, p.Asn302Lys (NM_001244438.2); c.627C>A, p.Asn209Lys (NM_001369020.1); c.4077+3888G>T (NM_001270521.2); c.4095+3888G>T (NM_015979.4); short protein forms N209K, N294K, N302K.
Identifiers: ClinVar variation 1381939 (VCV001381939.4), dbSNP rs756944730, ClinGen allele CA3999399.

ClinVar aggregate classification (germline): Uncertain significance (1 of 4 stars; one submission).

Conditions:
Arginase deficiency. Also called: ARGININEMIA; ARG1 DEFICIENCY; Arginase 1 Deficiency. Identifiers: Orphanet 90, MedGen C0268548, MONDO:0008814, OMIM 207800.

Allele frequency attached by ClinVar (database versions not stated): ExAC 0.00001; TOPMed 0.00002; gnomAD exomes 0.00001 and 0.00002; gnomAD 0.00001.
gnomAD v4.1: 18 of 1,614,118 alleles (0.0011%); highest among the groups gnomAD compares: Admixed American, 0.0033%; no homozygotes.

Submission:

Labcorp Genetics (formerly Invitae), Labcorp
Classification: Uncertain significance for Arginase deficiency. Last evaluated: 2022-08-23. Review status: criteria provided, single submitter. Criteria: Invitae Variant Classification Sherloc (09022015). Collection method: clinical testing. Allele origin: germline.
Comment: This sequence change replaces asparagine, which is neutral and polar, with lysine, which is basic and polar, at codon 294 of the ARG1 protein (p.Asn294Lys). This variant is present in population databases (rs756944730, gnomAD 0.006%). This variant has not been reported in the literature in individuals affected with ARG1-related conditions. ClinVar contains an entry for this variant (Variation ID: 1381939). Algorithms developed to predict the effect of missense changes on protein structure and function (SIFT, PolyPhen-2, Align-GVGD) all suggest that this variant is likely to be tolerated. In summary, the available evidence is currently insufficient to determine the role of this variant in disease. Therefore, it has been classified as a Variant of Uncertain Significance.